The following is an entry in ClinVar:

ClinVar aggregate classification (germline): Uncertain significance (1 of 4 stars; one submission).

Conditions:
Primary ciliary dyskinesia. Also called: Ciliary dyskinesia. Identifiers: Orphanet 244, MedGen C0008780, MONDO:0016575, HP:0012265.

gnomAD v4.1: 4 of 1,603,322 alleles (0.00025%); highest among the groups gnomAD compares: Non-Finnish European, 0.00034%; no homozygotes.

Submission:

Labcorp Genetics (formerly Invitae), Labcorp
Classification: Uncertain significance for Primary ciliary dyskinesia. Last evaluated: 2025-04-08. Review status: criteria provided, single submitter. Criteria: Invitae Variant Classification Sherloc (09022015). Collection method: clinical testing. Allele origin: germline.
Comment: This sequence change replaces glutamine, which is neutral and polar, with arginine, which is basic and polar, at codon 4182 of the DNAH8 protein (p.Gln4182Arg). This variant is not present in population databases (gnomAD no frequency). This variant has not been reported in the literature in individuals affected with DNAH8-related conditions. Invitae Evidence Modeling of protein sequence and biophysical properties (such as structural, functional, and spatial information, amino acid conservation, physicochemical variation, residue mobility, and thermodynamic stability) indicates that this missense variant is not expected to disrupt DNAH8 protein function with a negative predictive value of 80%. In summary, the available evidence is currently insufficient to determine the role of this variant in disease. Therefore, it has been classified as a Variant of Uncertain Significance.

NM_001206927.2(DNAH8):c.12545A>G (p.Gln4182Arg)

Gene: DNAH8 (dynein axonemal heavy chain 8; plus strand). Cytogenetic location: 6p21.2.
Variant type: single nucleotide variant.
Coding change: c.12545A>G on transcript NM_001206927.2 (MANE Select); coding-DNA position 12545, A replaced by G.
Protein change: p.Gln4182Arg; replaces glutamine 4182 with arginine.
Molecular consequence: missense variant.
Genome position (GRCh38, 1-based): chr6:38,973,680, A>G. VCF-style: chr6-38973680-A-G. GRCh37 (hg19) VCF-style: chr6-38941456-A-G.
Other names: c.11894A>G, p.Gln3965Arg (NM_001371.4); short protein forms Q4182R, Q3965R.
Identifiers: ClinVar variation 4764093 (VCV004764093.1).
Genomic context (GRCh38, chr6:38,973,680, plus strand): 5'-AAGGTTACAAGAAATAAATATGAACTTATTTTTGGATACAGGGTGGTTGGGTATTACTAC[A>G]AAATTGCCACCTTGGCCTGGAATTCATGGAAGAATTACTAGAGACGCTAATTACCACTGA-3'
Protein context (NP_001193856.1, residues 4172-4192): SMQQGGWVLL[Gln4182Arg]NCHLGLEFME